The following is an entry in ClinVar:

NM_021176.3(G6PC2):c.1025C>G (p.Ser342Cys)

Gene: G6PC2 (glucose-6-phosphatase catalytic subunit 2; plus strand). Cytogenetic location: 2q31.1.
Variant type: single nucleotide variant.
Coding change: c.1025C>G on transcript NM_021176.3 (MANE Select); coding-DNA position 1025, C replaced by G.
Protein change: p.Ser342Cys; replaces serine 342 with cysteine.
Molecular consequence: missense variant. On other transcripts: 3 prime UTR variant (1).
Genome position (GRCh38, 1-based): chr2:168,908,036, C>G. VCF-style: chr2-168908036-C-G. GRCh37 (hg19) VCF-style: chr2-169764546-C-G.
Other names: c.*444C>G (NM_001081686.2); short protein forms S342C.
Identifiers: ClinVar variation 3059418 (VCV003059418.3), dbSNP rs2232328, ClinGen allele CA1950862.
Genomic context (GRCh38, chr2:168,908,036, plus strand): 5'-TGCTGTCTTTTTGTAAAAGTGCATCCATTCCCCTAACTGTGGTTGCTTTCATTCCCTACT[C>G]TGTTCATATGTTAATGAAACAAAGCGGAAAGAAGAGTCAGTAGAGTGGTGCCTAGAGTTA-3'
Protein context (NP_066999.1, residues 332-352): PLTVVAFIPY[Ser342Cys]VHMLMKQSGK

ClinVar aggregate classification (germline): Benign. Review status: criteria provided, single submitter (1 of 4 stars). 2 submissions from 2 submitters: Benign (1). 1 of the submissions does not count toward it. Last evaluated 2024-11-26.

Conditions:
G6PC2-related disorder. Also called: G6PC2-related condition.

Allele frequency attached by ClinVar (database versions not stated): ESP Exome Variant Server 0.23051; TOPMed 0.24053; gnomAD exomes 0.10231; ExAC 0.12294; 1000 Genomes Project 0.21146; gnomAD 0.21478; 1000 Genomes Project 30x 0.22658.

Submissions (2):

Blueprint Genetics
Classification: Benign. Last evaluated: 2024-11-26. Review status: criteria provided, single submitter. Criteria: ACMG Guidelines, 2015. Collection method: clinical testing. Allele origin: germline.

PreventionGenetics, part of Exact Sciences
Classification: Benign for G6PC2-related condition. Last evaluated: 2019-10-24. Review status: no assertion criteria provided. Collection method: clinical testing. Allele origin: germline. Not counted in ClinVar's aggregate classification.
Comment: This variant is classified as benign based on ACMG/AMP sequence variant interpretation guidelines (Richards et al. 2015 PMID: 25741868, with internal and published modifications).